The following is an entry in ClinVar:

ClinVar aggregate classification (germline): Uncertain significance. Review status: criteria provided, multiple submitters, no conflicts (2 of 4 stars). 2 submissions from 2 submitters: Uncertain significance (2). Last evaluated 2025-05-05.

Conditions:
Inborn genetic diseases. Identifiers: MedGen C0950123, MeSH D030342.

Allele frequency attached by ClinVar (database versions not stated): gnomAD exomes 0.00002; TOPMed 0.00002; gnomAD 0.00003.
gnomAD v4.1: 34 of 1,461,468 alleles (0.0023%); highest among the groups gnomAD compares: Non-Finnish European, 0.0029%; no homozygotes.

Submissions (2):

Labcorp Genetics (formerly Invitae), Labcorp
Classification: Uncertain significance. Last evaluated: 2025-05-05. Review status: criteria provided, single submitter. Criteria: Invitae Variant Classification Sherloc (09022015). Collection method: clinical testing. Allele origin: germline.
Comment: This sequence change replaces alanine, which is neutral and non-polar, with threonine, which is neutral and polar, at codon 29 of the ABHD12 protein (p.Ala29Thr). This variant is not present in population databases (gnomAD no frequency). This variant has not been reported in the literature in individuals affected with ABHD12-related conditions. ClinVar contains an entry for this variant (Variation ID: 1411955). An algorithm developed to predict the effect of missense changes on protein structure and function (PolyPhen-2) suggests that this variant is likely to be tolerated. In summary, the available evidence is currently insufficient to determine the role of this variant in disease. Therefore, it has been classified as a Variant of Uncertain Significance.

Ambry Genetics
Classification: Uncertain significance for Inborn genetic diseases. Last evaluated: 2025-04-13. Review status: criteria provided, single submitter. Criteria: Ambry Variant Classification Scheme 2023. Collection method: clinical testing. Allele origin: germline.

NM_001042472.3(ABHD12):c.85G>A (p.Ala29Thr)

Genes: ABHD12 (abhydrolase domain containing 12, lysophospholipase; minus strand), LOC130065586 (ATAC-STARR-seq lymphoblastoid silent region 12752; plus strand). Cytogenetic location: 20p11.21.
Variant type: single nucleotide variant.
Coding change: c.85G>A on transcript NM_001042472.3 (MANE Select); coding-DNA position 85, G replaced by A.
Protein change: p.Ala29Thr; replaces alanine 29 with threonine.
Molecular consequence: missense variant.
Genome position (GRCh38, 1-based): chr20:25,390,619, C>T on the plus strand (G>A on the coding strand, the complement: ABHD12 is on the minus strand). VCF-style: chr20-25390619-C-T. GRCh37 (hg19) VCF-style: chr20-25371255-C-T.
Other names: c.85G>A (NM_001042472.2); c.85G>A, p.Ala29Thr (NM_015600.5); short protein forms A29T.
Identifiers: ClinVar variation 1411955 (VCV001411955.6), dbSNP rs748440200, ClinGen allele CA9796325.